The following is an entry in ClinVar:

NM_022051.3(EGLN1):c.1046G>A (p.Gly349Asp)

Gene: EGLN1 (egl-9 family hypoxia inducible factor 1; minus strand). Cytogenetic location: 1q42.2.
Variant type: single nucleotide variant.
Coding change: c.1046G>A on transcript NM_022051.3 (MANE Select); coding-DNA position 1046, G replaced by A.
Protein change: p.Gly349Asp; replaces glycine 349 with aspartic acid.
Molecular consequence: missense variant. On other transcripts: intron variant (1).
Genome position (GRCh38, 1-based): chr1:231,370,664, C>T on the plus strand (G>A on the coding strand, the complement: EGLN1 is on the minus strand). VCF-style: chr1-231370664-C-T. GRCh37 (hg19) VCF-style: chr1-231506410-C-T.
Other names: c.1046G>A, p.Gly349Asp (NM_001377260.1); c.1012-3028G>A (NM_001377261.1); short protein forms G349D.
Identifiers: ClinVar variation 3507217 (VCV003507217.1).

ClinVar aggregate classification (germline): Uncertain significance (1 of 4 stars; one submission).

Submission:

Ambry Genetics
Classification: Uncertain significance. Last evaluated: 2024-08-20. Review status: criteria provided, single submitter. Criteria: Ambry Variant Classification Scheme 2023. Collection method: clinical testing. Allele origin: germline.
Comment: The p.G349D variant (also known as c.1046G>A), located in coding exon 3 of the EGLN1 gene, results from a G to A substitution at nucleotide position 1046. The glycine at codon 349 is replaced by aspartic acid, an amino acid with similar properties. This amino acid position is conserved. In addition, the in silico prediction for this alteration is inconclusive. Based on the available evidence, the clinical significance of this variant remains unclear.